The following is an entry in ClinVar:

NM_003640.5(ELP1):c.2497C>T (p.His833Tyr)

Gene: ELP1 (elongator acetyltransferase complex subunit 1; minus strand). Cytogenetic location: 9q31.3.
Variant type: single nucleotide variant.
Coding change: c.2497C>T on transcript NM_003640.5 (MANE Select); coding-DNA position 2497, C replaced by T.
Protein change: p.His833Tyr; replaces histidine 833 with tyrosine.
Molecular consequence: missense variant.
Genome position (GRCh38, 1-based): chr9:108,897,152, G>A on the plus strand (C>T on the coding strand, the complement: ELP1 is on the minus strand). VCF-style: chr9-108897152-G-A. GRCh37 (hg19) VCF-style: chr9-111659432-G-A.
Other names: c.2155C>T, p.His719Tyr (NM_001318360.2); c.1450C>T, p.His484Tyr (NM_001330749.2); short protein forms H484Y, H719Y, H833Y.
Identifiers: ClinVar variation 3088491 (VCV003088491.3), dbSNP rs1007814986, ClinGen allele CA197533186.
Genomic context (GRCh38, chr9:108,897,152, plus strand): 5'-GGACAACTACACACTTCGGTTTTTCAAAGGATGCCACCTGGTGACAGCATACATACTTAT[G>A]AGGATTTATGCTCTCCATGACTGCTCTCATAGCATCGCAGACAAGGTCTATTTTATTCCC-3'
Protein context (NP_003631.2, residues 823-843): MRAVMESINP[His833Tyr]KYCLSILTSH

ClinVar aggregate classification (germline): Uncertain significance. Review status: criteria provided, multiple submitters, no conflicts (2 of 4 stars). 2 submissions from 2 submitters: Uncertain significance (2). Last evaluated 2026-03-21.

Allele frequency attached by ClinVar (database versions not stated): TOPMed 0.00002; gnomAD exomes below 0.00001.
gnomAD v4.1: 5 of 1,614,174 alleles (0.00031%); highest among the groups gnomAD compares: Middle Eastern, 0.016%; no homozygotes.

Submissions (2):

Ambry Genetics
Classification: Uncertain significance. Last evaluated: 2026-03-21. Review status: criteria provided, single submitter. Criteria: Ambry Variant Classification Scheme 2023. Collection method: clinical testing. Allele origin: germline.
Comment: The p.H833Y variant (also known as c.2497C>T), located in coding exon 22 of the IKBKAP gene, results from a C to T substitution at nucleotide position 2497. The histidine at codon 833 is replaced by tyrosine, an amino acid with similar properties. This amino acid position is conserved. In addition, this alteration is predicted to be tolerated by in silico analysis. Based on the available evidence, the clinical significance of this variant remains unclear.

Labcorp Genetics (formerly Invitae), Labcorp
Classification: Uncertain significance. Last evaluated: 2024-03-06. Review status: criteria provided, single submitter. Criteria: Invitae Variant Classification Sherloc (09022015). Collection method: clinical testing. Allele origin: germline.
Comment: This sequence change replaces histidine, which is basic and polar, with tyrosine, which is neutral and polar, at codon 833 of the ELP1 protein (p.His833Tyr). This variant is present in population databases (no rsID available, gnomAD 0.0009%). This variant has not been reported in the literature in individuals affected with ELP1-related conditions. Advanced modeling of protein sequence and biophysical properties (such as structural, functional, and spatial information, amino acid conservation, physicochemical variation, residue mobility, and thermodynamic stability) has been performed at Invitae for this missense variant, however the output from this modeling did not meet the statistical confidence thresholds required to predict the impact of this variant on ELP1 protein function. In summary, the available evidence is currently insufficient to determine the role of this variant in disease. Therefore, it has been classified as a Variant of Uncertain Significance.